The following is an entry in ClinVar:

NM_021942.6(TRAPPC11):c.1618A>G (p.Asn540Asp)

Gene: TRAPPC11 (trafficking protein particle complex subunit 11; plus strand). Cytogenetic location: 4q35.1.
Variant type: single nucleotide variant.
Coding change: c.1618A>G on transcript NM_021942.6 (MANE Select); coding-DNA position 1618, A replaced by G.
Protein change: p.Asn540Asp; replaces asparagine 540 with aspartic acid.
Molecular consequence: missense variant.
Genome position (GRCh38, 1-based): chr4:183,685,134, A>G. VCF-style: chr4-183685134-A-G. GRCh37 (hg19) VCF-style: chr4-184606287-A-G.
Other names: c.1618A>G, p.Asn540Asp (NM_199053.3); short protein forms N540D.
Identifiers: ClinVar variation 569339 (VCV000569339.9), dbSNP rs1561045163, ClinGen allele CA358867968.

ClinVar aggregate classification (germline): Uncertain significance (1 of 4 stars; one submission).

Conditions:
Autosomal recessive limb-girdle muscular dystrophy type R18 (LGMDR18). Also called: Limb-girdle muscular dystrophy, type 2S; MUSCULAR DYSTROPHY, LIMB-GIRDLE, AUTOSOMAL RECESSIVE 18; Autosomal recessive limb-girdle muscular dystrophy type 2S. Identifiers: Orphanet 369840, MedGen C4517996, MONDO:0014144, OMIM 615356.

Submission:

Labcorp Genetics (formerly Invitae), Labcorp
Classification: Uncertain significance for Autosomal recessive limb-girdle muscular dystrophy type R18. Last evaluated: 2022-06-04. Review status: criteria provided, single submitter. Criteria: Invitae Variant Classification Sherloc (09022015). Collection method: clinical testing. Allele origin: germline.
Comment: In summary, the available evidence is currently insufficient to determine the role of this variant in disease. Therefore, it has been classified as a Variant of Uncertain Significance. Algorithms developed to predict the effect of missense changes on protein structure and function (SIFT, PolyPhen-2, Align-GVGD) all suggest that this variant is likely to be tolerated. ClinVar contains an entry for this variant (Variation ID: 569339). This variant has not been reported in the literature in individuals affected with TRAPPC11-related conditions. This variant is not present in population databases (gnomAD no frequency). This sequence change replaces asparagine, which is neutral and polar, with aspartic acid, which is acidic and polar, at codon 540 of the TRAPPC11 protein (p.Asn540Asp).